The following is an entry in ClinVar:

ClinVar aggregate classification (germline): Uncertain significance (1 of 4 stars; one submission).

Conditions:
Methylcobalamin deficiency type cblG (HMAG). Also called: Functional methionine synthase deficiency type cblG; HOMOCYSTINURIA-MEGALOBLASTIC ANEMIA DUE TO DEFECT IN COBALAMIN METABOLISM, cblG COMPLEMENTATION TYPE; HOMOCYSTINURIA-MEGALOBLASTIC ANEMIA, cblG TYPE; HOMOCYSTINURIA-MEGALOBLASTIC ANEMIA, cblG COMPLEMENTATION TYPE. Identifiers: Orphanet 2170, Orphanet 622, MedGen C1855128, MONDO:0009609, OMIM 250940.

Submission:

Labcorp Genetics (formerly Invitae), Labcorp
Classification: Uncertain significance for Methylcobalamin deficiency type cblG. Last evaluated: 2022-03-20. Review status: criteria provided, single submitter. Criteria: Invitae Variant Classification Sherloc (09022015). Collection method: clinical testing. Allele origin: germline.
Comment: In summary, the available evidence is currently insufficient to determine the role of this variant in disease. Therefore, it has been classified as a Variant of Uncertain Significance. Algorithms developed to predict the effect of missense changes on protein structure and function are either unavailable or do not agree on the potential impact of this missense change (SIFT: "Deleterious"; PolyPhen-2: "Probably Damaging"; Align-GVGD: "Class C0"). This variant has not been reported in the literature in individuals affected with MTR-related conditions. This variant is not present in population databases (gnomAD no frequency). This sequence change replaces lysine, which is basic and polar, with glutamic acid, which is acidic and polar, at codon 741 of the MTR protein (p.Lys741Glu).

NM_000254.3(MTR):c.2221A>G (p.Lys741Glu)

Gene: MTR (5-methyltetrahydrofolate-homocysteine methyltransferase; plus strand). Cytogenetic location: 1q43.
Variant type: single nucleotide variant.
Coding change: c.2221A>G on transcript NM_000254.3 (MANE Select); coding-DNA position 2221, A replaced by G.
Protein change: p.Lys741Glu; replaces lysine 741 with glutamic acid.
Molecular consequence: missense variant.
Genome position (GRCh38, 1-based): chr1:236,862,260, A>G. VCF-style: chr1-236862260-A-G. GRCh37 (hg19) VCF-style: chr1-237025560-A-G.
Other names: c.2068A>G, p.Lys690Glu (NM_001291939.1); c.1000A>G, p.Lys334Glu (NM_001291940.2); c.2221A>G, p.Lys741Glu (NM_001410942.1); short protein forms K690E, K741E, K334E.
Identifiers: ClinVar variation 2115227 (VCV002115227.4), dbSNP rs2528250001, ClinGen allele CA345377908.
Genomic context (GRCh38, chr1:236,862,260, plus strand): 5'-TTGGGAAAGATACCTGATCTATGCTTTTTTTCTCAGGTTATAAAGTCAGCCCGGGTTATG[A>G]AGAAGGCTGTTGGCCACCTTATCCCTTTCATGGAAAAAGAAAGAGAAGAAACCAGAGTGC-3'
Protein context (NP_000245.2, residues 731-751): PQVIKSARVM[Lys741Glu]KAVGHLIPFM